The following is an entry in ClinVar:

ClinVar aggregate classification (germline): Uncertain significance (1 of 4 stars; one submission).

Allele frequency attached by ClinVar (database versions not stated): gnomAD 0.00001.
gnomAD v4.1: 4 of 1,611,660 alleles (0.00025%); highest among the groups gnomAD compares: African/African-American, 0.0013%; no homozygotes.

Submission:

Labcorp Genetics (formerly Invitae), Labcorp
Classification: Uncertain significance. Last evaluated: 2025-12-29. Review status: criteria provided, single submitter. Criteria: Invitae Variant Classification Sherloc (09022015). Collection method: clinical testing. Allele origin: germline.
Comment: This sequence change replaces glycine, which is neutral and non-polar, with arginine, which is basic and polar, at codon 919 of the COL18A1 protein (p.Gly919Arg). This variant is present in population databases (no rsID available, gnomAD no frequency). This variant has not been reported in the literature in individuals affected with COL18A1-related conditions. ClinVar contains an entry for this variant (Variation ID: 1426974). Experimental studies and prediction algorithms are not available or were not evaluated, and the functional significance of this variant is currently unknown. In summary, the available evidence is currently insufficient to determine the role of this variant in disease. Therefore, it has been classified as a Variant of Uncertain Significance.

NM_001379500.1(COL18A1):c.2755G>A (p.Gly919Arg)

Genes: SLC19A1 (solute carrier family 19 member 1; minus strand), COL18A1 (collagen type XVIII alpha 1 chain; plus strand). Cytogenetic location: 21q22.3.
Variant type: single nucleotide variant.
Coding change: c.2755G>A on transcript NM_001379500.1 (MANE Select); coding-DNA position 2755, G replaced by A.
Protein change: p.Gly919Arg; replaces glycine 919 with arginine.
Molecular consequence: missense variant.
Genome position (GRCh38, 1-based): chr21:45,504,443, G>A. VCF-style: chr21-45504443-G-A. GRCh37 (hg19) VCF-style: chr21-46924357-G-A.
Other names: c.3295G>A, p.Gly1099Arg (NM_030582.4); c.4000G>A, p.Gly1334Arg (NM_130444.3); short protein forms G1334R, G919R, G1099R.
Identifiers: ClinVar variation 1426974 (VCV001426974.6), dbSNP rs1409678424, ClinGen allele CA410499143.
Genomic context (GRCh38, chr21:45,504,443, plus strand): 5'-GGGCTCCCGTGTAACAAGTGTTTCCGTCCACAGGGGGAGAAGGGAGACCGAGGTGATGCA[G>A]GACAGAAAGGCGAAAGGGGGGAGCCCGGGGGCGGCGGTTTCTTCGGCTCCAGCCTGCCCG-3'
Protein context (NP_001366429.1, residues 909-929): KGEKGDRGDA[Gly919Arg]QKGERGEPGG